The following is an entry in ClinVar:

ClinVar aggregate classification (germline): Uncertain significance (1 of 4 stars; one submission).

Submission:

Ambry Genetics
Classification: Uncertain significance. Last evaluated: 2023-08-06. Review status: criteria provided, single submitter. Criteria: Ambry Variant Classification Scheme 2023. Collection method: clinical testing. Allele origin: germline.
Comment: The p.T1507S variant (also known as c.4520C>G), located in coding exon 40 of the KIF1B gene, results from a C to G substitution at nucleotide position 4520. The threonine at codon 1507 is replaced by serine, an amino acid with similar properties. This amino acid position is conserved. In addition, this alteration is predicted to be tolerated by in silico analysis. Since supporting evidence is limited at this time, the clinical significance of this alteration remains unclear.

NM_001365951.3(KIF1B):c.4658C>G (p.Thr1553Ser)

Gene: KIF1B (kinesin family member 1B; plus strand). Cytogenetic location: 1p36.22.
Variant type: single nucleotide variant.
Coding change: c.4658C>G on transcript NM_001365951.3 (MANE Select); coding-DNA position 4658, C replaced by G.
Protein change: p.Thr1553Ser; replaces threonine 1553 with serine.
Molecular consequence: missense variant.
Genome position (GRCh38, 1-based): chr1:10,365,554, C>G. VCF-style: chr1-10365554-C-G. GRCh37 (hg19) VCF-style: chr1-10425612-C-G.
Other names: c.4658C>G, p.Thr1553Ser (NM_001365952.1); c.4520C>G, p.Thr1507Ser (NM_015074.3); short protein forms T1553S, T1507S.
Identifiers: ClinVar variation 2625728 (VCV002625728.2), dbSNP rs2521915567, ClinGen allele CA338322169.